The following is an entry in ClinVar:

NM_006393.3(NEBL):c.2839A>C (p.Met947Leu)

Gene: NEBL (nebulette; minus strand). Cytogenetic location: 10p12.31.
Variant type: single nucleotide variant.
Coding change: c.2839A>C on transcript NM_006393.3 (MANE Select); coding-DNA position 2839, A replaced by C.
Protein change: p.Met947Leu; replaces methionine 947 with leucine.
Molecular consequence: missense variant.
Genome position (GRCh38, 1-based): chr10:20,787,231, T>G on the plus strand (A>C on the coding strand, the complement: NEBL is on the minus strand). VCF-style: chr10-20787231-T-G. GRCh37 (hg19) VCF-style: chr10-21076160-T-G.
Other names: c.607A>C, p.Met203Leu (NM_001173484.2, NM_213569.2); c.700A>C, p.Met234Leu (NM_001377322.1); c.559A>C, p.Met187Leu (NM_001377323.1); c.550A>C, p.Met184Leu (NM_001377324.1); c.541A>C, p.Met181Leu (NM_001377325.1); c.499A>C, p.Met167Leu (NM_001377326.1, NM_001377327.1, NM_001377328.1); short protein forms M187L, M203L, M167L, M234L, M947L, M181L, M184L.
Identifiers: ClinVar variation 2078324 (VCV002078324.4), dbSNP rs2491379505, ClinGen allele CA376092457.
Genomic context (GRCh38, chr10:20,787,231, plus strand): 5'-CTAAGGAGGAACGTATCAAATGGACACTTACTAGATTTGGTGAATGCTGCATTGATCTCA[T>G]GGATGACACACTGGTCTGGTGCATGTAGCCATAGCCTTGGGAATGGCTTTGCTGATAGGC-3'
Protein context (NP_006384.1, residues 937-957): GYMHQTSVSS[Met947Leu]RSMQHSPNLR

ClinVar aggregate classification (germline): Uncertain significance (1 of 4 stars; one submission).

Conditions:
Primary dilated cardiomyopathy (DCM). Also called: Dilated Cardiomyopathy. Identifiers: Orphanet 217604, MedGen C0007193, MeSH D002311, MONDO:0005021, HP:0001644. Inheritance: Various modes of inheritance.

Submission:

Labcorp Genetics (formerly Invitae), Labcorp
Classification: Uncertain significance for Primary dilated cardiomyopathy. Last evaluated: 2022-01-11. Review status: criteria provided, single submitter. Criteria: Invitae Variant Classification Sherloc (09022015). Collection method: clinical testing. Allele origin: germline.
Comment: In summary, the available evidence is currently insufficient to determine the role of this variant in disease. Therefore, it has been classified as a Variant of Uncertain Significance. Algorithms developed to predict the effect of missense changes on protein structure and function (SIFT, PolyPhen-2, Align-GVGD) all suggest that this variant is likely to be tolerated. This variant has not been reported in the literature in individuals affected with NEBL-related conditions. This variant is not present in population databases (gnomAD no frequency). This sequence change replaces methionine, which is neutral and non-polar, with leucine, which is neutral and non-polar, at codon 947 of the NEBL protein (p.Met947Leu).